The following is an entry in ClinVar:

NM_004815.4(ARHGAP29):c.952A>G (p.Met318Val)

Gene: ARHGAP29 (Rho GTPase activating protein 29; minus strand). Cytogenetic location: 1p22.1.
Variant type: single nucleotide variant.
Coding change: c.952A>G on transcript NM_004815.4 (MANE Select); coding-DNA position 952, A replaced by G.
Protein change: p.Met318Val; replaces methionine 318 with valine.
Molecular consequence: missense variant.
Genome position (GRCh38, 1-based): chr1:94,202,920, T>C on the plus strand (A>G on the coding strand, the complement: ARHGAP29 is on the minus strand). VCF-style: chr1-94202920-T-C. GRCh37 (hg19) VCF-style: chr1-94668476-T-C.
Other names: c.952A>G, p.Met318Val (NM_001328664.2, NM_001328666.2); c.760A>G, p.Met254Val (NM_001328665.2, NM_001328667.2); short protein forms M254V, M318V.
Identifiers: ClinVar variation 1712614 (VCV001712614.3), dbSNP rs2524338198, ClinGen allele CA341297545.

ClinVar aggregate classification (germline): Uncertain significance. Review status: criteria provided, multiple submitters, no conflicts (2 of 4 stars). 2 submissions from 2 submitters: Uncertain significance (2). Last evaluated 2025-04-25.

Conditions:
Inborn genetic diseases. Identifiers: MedGen C0950123, MeSH D030342.

Allele frequency attached by ClinVar (database versions not stated): gnomAD exomes below 0.00001.
gnomAD v4.1: 1 of 1,600,292 alleles (0.000062%); highest among the groups gnomAD compares: Non-Finnish European, 0.000085%; no homozygotes.

Submissions (2):

Ambry Genetics
Classification: Uncertain significance for Inborn genetic diseases. Last evaluated: 2025-04-25. Review status: criteria provided, single submitter. Criteria: Ambry Variant Classification Scheme 2023. Collection method: clinical testing. Allele origin: germline.

GeneDx
Classification: Uncertain significance. Last evaluated: 2022-04-15. Review status: criteria provided, single submitter. Criteria: GeneDx Variant Classification Process June 2021. Collection method: clinical testing. Allele origin: germline. Affected: yes.
Comment: Not observed at significant frequency in large population cohorts (gnomAD); In silico analysis supports that this missense variant has a deleterious effect on protein structure/function; Has not been previously published as pathogenic or benign to our knowledge